The following is an entry in ClinVar:

ClinVar aggregate classification (germline): Uncertain significance (1 of 4 stars; one submission).

Allele frequency attached by ClinVar (database versions not stated): gnomAD exomes below 0.00001.
gnomAD v4.1: 1 of 1,613,812 alleles (0.000062%); highest among the groups gnomAD compares: East Asian, 0.0022%; no homozygotes.

Submission:

Ambry Genetics
Classification: Uncertain significance. Last evaluated: 2023-03-09. Review status: criteria provided, single submitter. Criteria: Ambry Variant Classification Scheme 2023. Collection method: clinical testing. Allele origin: germline.
Comment: The p.G228E variant (also known as c.683G>A), located in coding exon 1 of the PALLD gene, results from a G to A substitution at nucleotide position 683. The glycine at codon 228 is replaced by glutamic acid, an amino acid with similar properties. This amino acid position is conserved. In addition, this alteration is predicted to be tolerated by in silico analysis. Since supporting evidence is limited at this time, the clinical significance of this alteration remains unclear.

NM_001166108.2(PALLD):c.683G>A (p.Gly228Glu)

Gene: PALLD (palladin, cytoskeletal associated protein; plus strand). Cytogenetic location: 4q32.3.
Variant type: single nucleotide variant.
Coding change: c.683G>A on transcript NM_001166108.2 (MANE Select); coding-DNA position 683, G replaced by A.
Protein change: p.Gly228Glu; replaces glycine 228 with glutamic acid.
Molecular consequence: missense variant.
Genome position (GRCh38, 1-based): chr4:168,512,187, G>A. VCF-style: chr4-168512187-G-A. GRCh37 (hg19) VCF-style: chr4-169433338-G-A.
Other names: c.683G>A, p.Gly228Glu (NM_016081.4); short protein forms G228E.
Identifiers: ClinVar variation 2497018 (VCV002497018.2), dbSNP rs2531435432, ClinGen allele CA358727905.